The following is an entry in ClinVar:

ClinVar aggregate classification (germline): Likely pathogenic (1 of 4 stars; one submission).

Conditions:
Familial cancer of breast. Also called: BREAST CANCER, FAMILIAL; Hereditary breast cancer; hereditary breast carcinoma. Identifiers: Orphanet 227535, MedGen C0346153, MONDO:0016419, OMIM 114480. Disease mechanism: loss of function.
Fanconi anemia complementation group J. Also called: BRIP1-Related Fanconi Anemia. Identifiers: Orphanet 84, MedGen C1836860, MONDO:0012187, OMIM 609054.

Submission:

Labcorp Genetics (formerly Invitae), Labcorp
Classification: Likely pathogenic for Familial cancer of breast; Fanconi anemia complementation group J. Last evaluated: 2016-07-02. Review status: criteria provided, single submitter. Criteria: Invitae Variant Classification Sherloc (09022015). Collection method: clinical testing. Allele origin: germline.
Comment: This variant is a gross deletion of the genomic region encompassing exon 8 of the BRIP1 gene. This leads to an in-frame deletion, preserving the integrity of the reading frame. This gross deletion of exon 8 is expected to result in the loss of amino acids 307-380. This removes nearly all of the iron-sulfur (Fe-S) cluster binding domain of BRIP1, including two of the four conserved cysteine residues within that domain (PMID: 16973432). Also, this deletion removes the Ala349 amino acid, which has been shown to be altered in an individual with Fanconi anemia (PMID: 16116424), and is predicted to abolish BRIP1 helicase activity (PMID: 16973432). These results indicate that this exon encodes a necessary part of the BRIP1 gene product. In the absence of knowing the exact effect of this variant on the BRIP1 protein, this variant has been classified as Likely Pathogenic.

NM_032043.2(BRIP1):c.919-?_1140+?del

Gene: BRIP1 (BRCA1 interacting DNA helicase 1; minus strand). Cytogenetic location: 17q23.2.
Variant type: Deletion.
Coding change: c.919-?_1140+?del on transcript NM_032043.2.
Other names: c.919-?_1140+?del (LRG_300t1).
Identifiers: ClinVar variation 188251 (VCV000188251.2).